The following is an entry in ClinVar:

ClinVar aggregate classification (germline): Uncertain significance (1 of 4 stars; one submission).

Conditions:
Hereditary cancer-predisposing syndrome. Also called: Hereditary neoplastic syndrome; Neoplastic Syndromes, Hereditary; Tumor predisposition; Hereditary Cancer Syndrome. Identifiers: Orphanet 140162, MedGen C0027672, MeSH D009386, MONDO:0015356.

Submission:

Ambry Genetics
Classification: Uncertain significance for Hereditary cancer-predisposing syndrome. Last evaluated: 2025-01-29. Review status: criteria provided, single submitter. Criteria: Ambry Variant Classification Scheme 2023. Collection method: clinical testing. Allele origin: germline.
Comment: The p.V660G variant (also known as c.1979T>G), located in coding exon 9 of the BRCA1 gene, results from a T to G substitution at nucleotide position 1979. The valine at codon 660 is replaced by glycine, an amino acid with dissimilar properties. This amino acid position is conserved. In addition, the in silico prediction for this alteration is inconclusive. Based on the available evidence, the clinical significance of this variant remains unclear.

NM_007294.4(BRCA1):c.1979T>G (p.Val660Gly)

Gene: BRCA1 (BRCA1 DNA repair associated; minus strand). Cytogenetic location: 17q21.31.
Variant type: single nucleotide variant.
Coding change: c.1979T>G on transcript NM_007294.4 (MANE Select); coding-DNA position 1979, T replaced by G.
Protein change: p.Val660Gly; replaces valine 660 with glycine.
Molecular consequence: missense variant. On other transcripts: intron variant (137).
Genome position (GRCh38, 1-based): chr17:43,093,552, A>C on the plus strand (T>G on the coding strand, the complement: BRCA1 is on the minus strand). VCF-style: chr17-43093552-A-C. GRCh37 (hg19) VCF-style: chr17-41245569-A-C.
Other names: c.1715T>G, p.Val572Gly (NM_001407929.1, NM_001407933.1, NM_001407935.1 and 9 more transcripts); c.1712T>G, p.Val571Gly (NM_001407930.1, NM_001407931.1, NM_001407932.1 and 2 more transcripts); c.1856T>G, p.Val619Gly (NM_001407938.1, NM_001407939.1, NM_001407937.1 and 19 more transcripts); c.1853T>G, p.Val618Gly (NM_001407940.1, NM_001407941.1, NM_001407649.1 and 11 more transcripts); c.1838T>G, p.Val613Gly (NM_001407942.1, NM_001407944.1, NM_001407945.1 and 29 more transcripts); c.1835T>G, p.Val612Gly (NM_001407943.1, NM_001407740.1, NM_001407741.1 and 20 more transcripts); c.784+1192T>G (NM_001408399.1, NM_001407984.1, NM_001408473.1 and 13 more transcripts); c.664+1192T>G (NM_001408443.1, NM_001408439.1, NM_001408425.1 and 12 more transcripts); and 40 more; short protein forms V548G, V549G, V571G, V592G, V619G, V633G, V657G, V364G.
Identifiers: ClinVar variation 3825310 (VCV003825310.1).